The following is an entry in ClinVar:

ClinVar aggregate classification (germline): Uncertain significance (1 of 4 stars; one submission).

Conditions:
Congenital myasthenic syndrome 8. Also called: MYASTHENIC SYNDROME, CONGENITAL, DUE TO AGRIN DEFICIENCY; Myasthenic syndrome, congenital, 8, with pre- and postsynaptic defects. Identifiers: Orphanet 590, MedGen C3808739, MONDO:0014052, OMIM 615120.

Allele frequency attached by ClinVar (database versions not stated): TOPMed 0.00001; 1000 Genomes Project 0.00020; gnomAD exomes below 0.00001; 1000 Genomes Project 30x 0.00031; ExAC 0.00001.
gnomAD v4.1: 7 of 1,611,546 alleles (0.00043%); highest among the groups gnomAD compares: African/African-American, 0.0093%; no homozygotes.

Submission:

Labcorp Genetics (formerly Invitae), Labcorp
Classification: Uncertain significance for Congenital myasthenic syndrome 8. Last evaluated: 2021-12-25. Review status: criteria provided, single submitter. Criteria: Invitae Variant Classification Sherloc (09022015). Collection method: clinical testing. Allele origin: germline.
Comment: This sequence change replaces alanine, which is neutral and non-polar, with glycine, which is neutral and non-polar, at codon 787 of the AGRN protein (p.Ala787Gly). This variant is present in population databases (rs560842858, gnomAD 0.01%). This variant has not been reported in the literature in individuals affected with AGRN-related conditions. ClinVar contains an entry for this variant (Variation ID: 1018884). Algorithms developed to predict the effect of missense changes on protein structure and function (SIFT, PolyPhen-2, Align-GVGD) all suggest that this variant is likely to be tolerated. In summary, the available evidence is currently insufficient to determine the role of this variant in disease. Therefore, it has been classified as a Variant of Uncertain Significance.

NM_198576.4(AGRN):c.2360C>G (p.Ala787Gly)

Gene: AGRN (agrin; plus strand). Cytogenetic location: 1p36.33.
Variant type: single nucleotide variant.
Coding change: c.2360C>G on transcript NM_198576.4 (MANE Select); coding-DNA position 2360, C replaced by G.
Protein change: p.Ala787Gly; replaces alanine 787 with glycine.
Molecular consequence: missense variant.
Genome position (GRCh38, 1-based): chr1:1,045,266, C>G. VCF-style: chr1-1045266-C-G. GRCh37 (hg19) VCF-style: chr1-980646-C-G.
Other names: c.2360C>G, p.Ala787Gly (NM_001305275.2); c.2045C>G, p.Ala682Gly (NM_001364727.2); short protein forms A682G, A787G.
Identifiers: ClinVar variation 1018884 (VCV001018884.6), dbSNP rs560842858, ClinGen allele CA508586.